The following is an entry in ClinVar:

NC_000015.9:g.(?_91310120)_(91310273_?)del

Gene: BLM (BLM RecQ like helicase; plus strand). Cytogenetic location: 15q26.1.
Variant type: Deletion.
Identifiers: ClinVar variation 3243681 (VCV003243681.1).

ClinVar aggregate classification (germline): Uncertain significance (1 of 4 stars; one submission).

Conditions:
Bloom syndrome (BLM). Also called: Bloom-Torre-Machacek syndrome. Identifiers: Orphanet 125, MedGen C0005859, MONDO:0008876, OMIM 210900.

Submission:

Labcorp Genetics (formerly Invitae), Labcorp
Classification: Uncertain significance for Bloom syndrome. Last evaluated: 2024-01-11. Review status: criteria provided, single submitter. Criteria: Invitae Variant Classification Sherloc (09022015). Collection method: clinical testing. Allele origin: unknown.
Comment: This variant is a gross deletion of the genomic region encompassing exon(s) 10 of the BLM gene. This variant would be expected to be in-frame, preserving the integrity of the reading frame. This variant has not been reported in the literature in individuals affected with BLM-related conditions. Experimental studies and prediction algorithms are not available or were not evaluated, and the functional significance of this variant is currently unknown. In summary, the available evidence is currently insufficient to determine the role of this variant in disease. Therefore, it has been classified as a Variant of Uncertain Significance.